The following is an entry in ClinVar:

NM_000051.4(ATM):c.7073A>G (p.Gln2358Arg)

Genes: ATM (ATM serine/threonine kinase; plus strand), C11orf65 (chromosome 11 open reading frame 65; minus strand). Cytogenetic location: 11q22.3.
Variant type: single nucleotide variant.
Coding change: c.7073A>G on transcript NM_000051.4 (MANE Select); coding-DNA position 7073, A replaced by G.
Protein change: p.Gln2358Arg; replaces glutamine 2358 with arginine.
Molecular consequence: missense variant. On other transcripts: intron variant (2).
Genome position (GRCh38, 1-based): chr11:108,327,742, A>G. VCF-style: chr11-108327742-A-G. GRCh37 (hg19) VCF-style: chr11-108198469-A-G.
Other names: c.7073A>G, p.Gln2358Arg (NM_001351834.2); c.641-18671T>C (NM_001330368.2); c.*38+7478T>C (NM_001351110.2); short protein forms Q2358R.
Identifiers: ClinVar variation 919971 (VCV000919971.8), dbSNP rs2085824286, ClinGen allele CA382559117.

ClinVar aggregate classification (germline): Conflicting classifications of pathogenicity. Review status: criteria provided, conflicting classifications (1 of 4 stars). 3 submissions from 3 submitters: Uncertain significance (2); Likely benign (1). Last evaluated 2026-08-18.

Conditions:
Hereditary cancer-predisposing syndrome. Also called: Tumor predisposition; Neoplastic Syndromes, Hereditary; Hereditary neoplastic syndrome; Hereditary Cancer Syndrome. Identifiers: Orphanet 140162, MedGen C0027672, MeSH D009386, MONDO:0015356.
Ataxia-telangiectasia syndrome (AT). Also called: Ataxia-telangiectasia, complementation group D; AT, COMPLEMENTATION GROUP C; ATAXIA-TELANGIECTASIA, COMPLEMENTATION GROUP A; ATAXIA-TELANGIECTASIA, FRESNO VARIANT; Ataxia-telangiectasia; Ataxia telangiectasia (A-T). Identifiers: Orphanet 100, MedGen C0004135, MONDO:0008840, OMIM 208900.

Submissions (3):

Ambry Genetics
Classification: Likely benign for Hereditary cancer-predisposing syndrome. Last evaluated: 2026-08-18. Review status: criteria provided, single submitter. Criteria: Ambry Variant Classification Scheme 2023. Collection method: clinical testing. Allele origin: germline.

Labcorp Genetics (formerly Invitae), Labcorp
Classification: Uncertain significance for Ataxia-telangiectasia syndrome. Last evaluated: 2024-10-08. Review status: criteria provided, single submitter. Criteria: Invitae Variant Classification Sherloc (09022015). Collection method: clinical testing. Allele origin: germline.
Comment: This sequence change replaces glutamine, which is neutral and polar, with arginine, which is basic and polar, at codon 2358 of the ATM protein (p.Gln2358Arg). This variant is not present in population databases (gnomAD no frequency). This variant has not been reported in the literature in individuals affected with ATM-related conditions. ClinVar contains an entry for this variant (Variation ID: 919971). Invitae Evidence Modeling of protein sequence and biophysical properties (such as structural, functional, and spatial information, amino acid conservation, physicochemical variation, residue mobility, and thermodynamic stability) indicates that this missense variant is not expected to disrupt ATM protein function with a negative predictive value of 95%. In summary, the available evidence is currently insufficient to determine the role of this variant in disease. Therefore, it has been classified as a Variant of Uncertain Significance.

Color Diagnostics, LLC DBA Color Health
Classification: Uncertain significance for Hereditary cancer-predisposing syndrome. Last evaluated: 2023-12-05. Review status: criteria provided, single submitter. Criteria: ACMG Guidelines, 2015. Collection method: clinical testing. Allele origin: germline.
Comment: This missense variant replaces glutamine with arginine at codon 2358 of the ATM protein. Computational prediction suggests that this variant may not impact protein structure and function (internally defined REVEL score threshold <= 0.5, PMID: 27666373). To our knowledge, functional studies have not been reported for this variant. This variant has not been reported in individuals affected with ATM-related disorders in the literature. This variant has not been identified in the general population by the Genome Aggregation Database (gnomAD). The available evidence is insufficient to determine the role of this variant in disease conclusively. Therefore, this variant is classified as a Variant of Uncertain Significance.